The following is an entry in ClinVar:

NM_020971.3(SPTBN4):c.1467G>A (p.Ala489=)

Gene: SPTBN4 (spectrin beta, non-erythrocytic 4; plus strand). Cytogenetic location: 19q13.2.
Variant type: single nucleotide variant.
Coding change: c.1467G>A on transcript NM_020971.3 (MANE Select); coding-DNA position 1467, G replaced by A.
Protein change: p.Ala489=; no amino-acid change (alanine 489 retained).
Molecular consequence: synonymous variant.
Genome position (GRCh38, 1-based): chr19:40,503,934, G>A. VCF-style: chr19-40503934-G-A. GRCh37 (hg19) VCF-style: chr19-41009841-G-A.
Identifiers: ClinVar variation 3239201 (VCV003239201.19), dbSNP rs993137906.
Genomic context (GRCh38, chr19:40,503,934, plus strand): 5'-GAAACACGAAGCGATCGAGGCAGACATTGCGGCCTACGAGGAGCGGGTGCAGGGTGTGGC[G>A]GAGCTGGCCCAGGCATTGGCAGCCGAAGGCTACTACGATATCCGGCGGGTGGCAGCCCAG-3'
Protein context (NP_066022.2, residues 479-499): AAYEERVQGV[Ala489=]ELAQALAAEG

ClinVar aggregate classification (germline): Likely benign. Review status: criteria provided, multiple submitters, no conflicts (2 of 4 stars). 2 submissions from 2 submitters: Likely benign (2). Last evaluated 2024-09-04.

Allele frequency attached by ClinVar (database versions not stated): gnomAD 0.00003; TOPMed 0.00007.
gnomAD v4.1: 58 of 1,613,858 alleles (0.0036%); highest among the groups gnomAD compares: African/African-American, 0.0053%; no homozygotes.

Submissions (2):

Blueprint Genetics
Classification: Likely benign. Last evaluated: 2024-09-04. Review status: criteria provided, single submitter. Criteria: ACMG Guidelines, 2015. Collection method: clinical testing. Allele origin: germline.

CeGaT Center for Human Genetics Tuebingen
Classification: Likely benign. Last evaluated: 2024-05-01. Review status: criteria provided, single submitter. Criteria: CeGaT Center For Human Genetics Tuebingen Variant Classification Criteria Version 2. Collection method: clinical testing. Allele origin: germline. Affected: yes. Observed: 1 variant allele.
Comment: SPTBN4: BP4, BP7